The following is an entry in ClinVar:

NM_006767.4(LZTR1):c.634C>G (p.Leu212Val)

Gene: LZTR1 (leucine zipper like post translational regulator 1; plus strand). Cytogenetic location: 22q11.21.
Variant type: single nucleotide variant.
Coding change: c.634C>G on transcript NM_006767.4 (MANE Select); coding-DNA position 634, C replaced by G.
Protein change: p.Leu212Val; replaces leucine 212 with valine.
Molecular consequence: missense variant.
Genome position (GRCh38, 1-based): chr22:20,989,665, C>G. VCF-style: chr22-20989665-C-G. GRCh37 (hg19) VCF-style: chr22-21343954-C-G.
Other names: short protein forms L212V.
Identifiers: ClinVar variation 2447696 (VCV002447696.5), dbSNP rs776963332, ClinGen allele CA410780357.

ClinVar aggregate classification (germline): Conflicting classifications of pathogenicity. Review status: criteria provided, conflicting classifications (1 of 4 stars). 2 submissions from 2 submitters: Uncertain significance (1); Likely benign (1). Last evaluated 2025-08-25.

Conditions:
Cardiovascular phenotype. Identifiers: MedGen CN230736.
Hereditary cancer-predisposing syndrome. Also called: Neoplastic Syndromes, Hereditary; Hereditary Cancer Syndrome; Tumor predisposition; Hereditary neoplastic syndrome. Identifiers: Orphanet 140162, MedGen C0027672, MeSH D009386, MONDO:0015356.

Allele frequency attached by ClinVar (database versions not stated): gnomAD exomes below 0.00001; gnomAD 0.00001.
gnomAD v4.1: 3 of 1,612,224 alleles (0.00019%); highest among the groups gnomAD compares: African/African-American, 0.004%; no homozygotes.

Submissions (2):

Ambry Genetics
Classification: Likely benign for Cardiovascular phenotype; Hereditary cancer-predisposing syndrome. Last evaluated: 2025-08-25. Review status: criteria provided, single submitter. Criteria: Ambry Variant Classification Scheme 2023. Collection method: clinical testing. Allele origin: germline.

Labcorp Genetics (formerly Invitae), Labcorp
Classification: Uncertain significance. Last evaluated: 2025-03-09. Review status: criteria provided, single submitter. Criteria: Invitae Variant Classification Sherloc (09022015). Collection method: clinical testing. Allele origin: germline.
Comment: This sequence change replaces leucine, which is neutral and non-polar, with valine, which is neutral and non-polar, at codon 212 of the LZTR1 protein (p.Leu212Val). This variant is not present in population databases (gnomAD no frequency). This variant has not been reported in the literature in individuals affected with LZTR1-related conditions. ClinVar contains an entry for this variant (Variation ID: 2447696). Invitae Evidence Modeling of protein sequence and biophysical properties (such as structural, functional, and spatial information, amino acid conservation, physicochemical variation, residue mobility, and thermodynamic stability) indicates that this missense variant is not expected to disrupt LZTR1 protein function with a negative predictive value of 80%. In summary, the available evidence is currently insufficient to determine the role of this variant in disease. Therefore, it has been classified as a Variant of Uncertain Significance.